The following is an entry in ClinVar:

ClinVar aggregate classification (germline): Pathogenic. Review status: criteria provided, single submitter (1 of 4 stars). 2 submissions from 2 submitters: Pathogenic (1). 1 of the submissions does not count toward it. Last evaluated 2025-03-25.

Conditions:
Marfan syndrome (MFS). Also called: MARFAN SYNDROME, TYPE I; FBN1-Related Marfan Syndrome; Marfan syndrome type 1; Marfan's syndrome; Marfan syndrome, classic. Identifiers: Orphanet 284963, Orphanet 558, MedGen C0024796, MONDO:0007947, OMIM 154700.
Familial thoracic aortic aneurysm and aortic dissection (TAAD). Also called: Thoracic aortic aneurysms and dissections. Identifiers: Orphanet 91387, MedGen C4707243, MONDO:0019625.

Submissions (2):

Labcorp Genetics (formerly Invitae), Labcorp
Classification: Pathogenic for Marfan syndrome; Familial thoracic aortic aneurysm and aortic dissection. Last evaluated: 2025-03-25. Review status: criteria provided, single submitter. Criteria: Invitae Variant Classification Sherloc (09022015). Collection method: clinical testing. Allele origin: germline.
Comment: This sequence change affects a donor splice site in intron 62 of the FBN1 gene. It is expected to disrupt RNA splicing. Variants that disrupt the donor or acceptor splice site typically lead to a loss of protein function (PMID: 16199547), and loss-of-function variants in FBN1 are known to be pathogenic (PMID: 17657824, 19293843). This variant is not present in population databases (gnomAD no frequency). Disruption of this splice site has been observed in individuals with Marfan syndrome (PMID: 21542060; internal data). ClinVar contains an entry for this variant (Variation ID: 2498344). Algorithms developed to predict the effect of sequence changes on RNA splicing suggest that this variant may disrupt the consensus splice site. For these reasons, this variant has been classified as Pathogenic.

deCODE genetics, Amgen
Classification: Pathogenic for Marfan syndrome. Last evaluated: 2023-04-10. Review status: no assertion criteria provided. Collection method: case-control. Allele origin: germline. Affected: yes. Observed: 2 variant alleles. Not counted in ClinVar's aggregate classification.
Comment: The c.7699+2T>C variant was identified in two family members diagnosed with Marfan syndrome. Applied ACMG criteria: PVS1, PM2, PP4

Literature cited by the submitters: PubMed 16199547 (cited by Labcorp Genetics (formerly Invitae), Labcorp); PubMed 17657824 (cited by Labcorp Genetics (formerly Invitae), Labcorp); PubMed 19293843 (cited by Labcorp Genetics (formerly Invitae), Labcorp); PubMed 21542060 (cited by Labcorp Genetics (formerly Invitae), Labcorp); PubMed 37684520 (cited by deCODE genetics, Amgen).

NM_000138.5(FBN1):c.7699+2T>C

Gene: FBN1 (fibrillin 1; minus strand). Cytogenetic location: 15q21.1.
Variant type: single nucleotide variant.
Coding change: c.7699+2T>C on transcript NM_000138.5 (MANE Select); the canonical splice donor site of the intron after coding-DNA position 7699, T replaced by C.
Molecular consequence: splice donor variant.
Genome position (GRCh38, 1-based): chr15:48,421,556, A>G on the plus strand (T>C on the coding strand, the complement: FBN1 is on the minus strand). VCF-style: chr15-48421556-A-G. GRCh37 (hg19) VCF-style: chr15-48713753-A-G.
Other names: c.7699+2T>C (NM_001406716.1).
Identifiers: ClinVar variation 2498344 (VCV002498344.2), dbSNP rs112991916, ClinGen allele CA269519654.